The following is an entry in ClinVar:

ClinVar aggregate classification (germline): Benign/Likely benign. Review status: criteria provided, multiple submitters, no conflicts (2 of 4 stars). 4 submissions from 4 submitters: Benign (1); Likely benign (3). Last evaluated 2024-08-07.

Conditions:
Juvenile polyposis syndrome (JPS). Identifiers: Orphanet 2929, MedGen C0345893, MONDO:0017380, OMIM 174900.
Hereditary cancer-predisposing syndrome. Also called: Neoplastic Syndromes, Hereditary; Hereditary Cancer Syndrome; Tumor predisposition; Hereditary neoplastic syndrome. Identifiers: Orphanet 140162, MedGen C0027672, MeSH D009386, MONDO:0015356.

Allele frequency attached by ClinVar (database versions not stated): TOPMed below 0.00001; gnomAD 0.00001.
gnomAD v4.1: 1 of 1,613,954 alleles (0.000062%); highest among the groups gnomAD compares: Non-Finnish European, 0.000085%; no homozygotes.

Submissions (4):

Myriad Genetics, Inc.
Classification: Benign for Juvenile polyposis syndrome. Last evaluated: 2024-08-07. Review status: criteria provided, single submitter. Criteria: Myriad Autosomal Dominant, Autosomal Recessive and X-Linked Classification Criteria (2023). Collection method: clinical testing. Allele origin: unknown.
Comment: This variant is considered benign. This variant is a silent/synonymous amino acid change and it is not expected to impact splicing.

Labcorp Genetics (formerly Invitae), Labcorp
Classification: Likely benign for Juvenile polyposis syndrome. Last evaluated: 2019-11-02. Review status: criteria provided, single submitter. Criteria: Invitae Variant Classification Sherloc (09022015). Collection method: clinical testing. Allele origin: germline.

Blueprint Genetics
Classification: Likely benign. Last evaluated: 2019-04-01. Review status: criteria provided, single submitter. Criteria: ACMG Guidelines, 2015. Collection method: clinical testing. Allele origin: germline.

Ambry Genetics
Classification: Likely benign for Hereditary cancer-predisposing syndrome. Last evaluated: 2015-09-27. Review status: criteria provided, single submitter. Criteria: Ambry Variant Classification Scheme 2023. Collection method: clinical testing. Allele origin: germline.

NM_004329.3(BMPR1A):c.1359C>T (p.Tyr453=)

Gene: BMPR1A (bone morphogenetic protein receptor type 1A; plus strand). Cytogenetic location: 10q23.2.
Variant type: single nucleotide variant.
Coding change: c.1359C>T on transcript NM_004329.3 (MANE Select); coding-DNA position 1359, C replaced by T.
Protein change: p.Tyr453=; no amino-acid change (tyrosine 453 retained).
Molecular consequence: synonymous variant.
Genome position (GRCh38, 1-based): chr10:86,923,392, C>T. VCF-style: chr10-86923392-C-T. GRCh37 (hg19) VCF-style: chr10-88683149-C-T.
Identifiers: ClinVar variation 234143 (VCV000234143.16), dbSNP rs876660878, ClinGen allele CA10578897.
Genomic context (GRCh38, chr10:86,923,392, plus strand): 5'-TCCAGCAACCATTTTTGTGCCCATGTTTTCTCATTCCCTTATAGGGATCGTGGAAGAATA[C>T]CAATTGCCATATTACAACATGGTACCGAGTGATCCGTCATACGAAGATATGCGTGAGGTT-3'
Protein context (NP_004320.2, residues 443-463): RCITGGIVEE[Tyr453=]QLPYYNMVPS